The following is an entry in ClinVar:

ClinVar aggregate classification (germline): Conflicting classifications of pathogenicity. Review status: criteria provided, conflicting classifications (1 of 4 stars). 5 submissions from 5 submitters: Likely pathogenic (1); Uncertain significance (3); Benign (1). Last evaluated 2025-07-10.

Conditions:
Hereditary nonpolyposis colorectal neoplasms. Identifiers: MedGen C0009405, MeSH D003123.
Hereditary cancer-predisposing syndrome. Also called: Hereditary Cancer Syndrome; Hereditary neoplastic syndrome; Neoplastic Syndromes, Hereditary; Tumor predisposition. Identifiers: Orphanet 140162, MedGen C0027672, MeSH D009386, MONDO:0015356.
Ovarian cancer. Also called: OVARIAN CANCER, SOMATIC. Identifiers: Orphanet 213500, MedGen C1140680, MONDO:0008170, OMIM 167000.

Allele frequency attached by ClinVar (database versions not stated): gnomAD exomes below 0.00001 and 0.00001; ExAC 0.00001.
gnomAD v4.1: 4 of 1,614,046 alleles (0.00025%); highest among the groups gnomAD compares: East Asian, 0.0067%; no homozygotes.

Submissions (5):

Ambry Genetics
Classification: Uncertain significance for Hereditary cancer-predisposing syndrome. Last evaluated: 2025-07-10. Review status: criteria provided, single submitter. Criteria: Ambry Variant Classification Scheme 2023. Collection method: clinical testing. Allele origin: germline.
Comment: The p.N1273K variant (also known as c.3819T>G), located in coding exon 9 of the MSH6 gene, results from a T to G substitution at nucleotide position 3819. The asparagine at codon 1273 is replaced by lysine, an amino acid with similar properties. This amino acid position is highly conserved in available vertebrate species. In addition, the in silico prediction for this alteration is inconclusive. Since supporting evidence is limited at this time, the clinical significance of this alteration remains unclear.

Labcorp Genetics (formerly Invitae), Labcorp
Classification: Benign for Hereditary nonpolyposis colorectal neoplasms. Last evaluated: 2025-07-08. Review status: criteria provided, single submitter. Criteria: Invitae Variant Classification Sherloc (09022015). Collection method: clinical testing. Allele origin: germline.

Color Diagnostics, LLC DBA Color Health
Classification: Uncertain significance for Hereditary cancer-predisposing syndrome. Last evaluated: 2022-09-12. Review status: criteria provided, single submitter. Criteria: ACMG Guidelines, 2015. Collection method: clinical testing. Allele origin: germline.
Comment: This missense variant replaces asparagine with lysine at codon 1273 of the MSH6 protein. Computational prediction is inconclusive regarding the impact of this variant on protein structure and function (internally defined REVEL score threshold 0.5 < inconclusive < 0.7, PMID: 27666373). To our knowledge, functional studies have not been reported for this variant. This variant has not been reported in individuals affected with hereditary cancer in the literature. This variant has been identified in 2/251052 chromosomes in the general population by the Genome Aggregation Database (gnomAD). The available evidence is insufficient to determine the role of this variant in disease conclusively. Therefore, this variant is classified as a Variant of Uncertain Significance.

GeneDx
Classification: Uncertain significance. Last evaluated: 2022-07-07. Review status: criteria provided, single submitter. Criteria: GeneDx Variant Classification Process June 2021. Collection method: clinical testing. Allele origin: germline. Affected: yes.
Comment: Not observed at significant frequency in large population cohorts (gnomAD); In silico analysis supports that this missense variant has a deleterious effect on protein structure/function; Observed in an individual with premature ovarian insufficiency and unspecified cancer history (Tang et al., 2020); This variant is associated with the following publications: (PMID: 17531815, 21120944, 32789750)

Laboratory of Molecular Epidemiology of Birth Defects, West China Second University Hospital, Sichuan University
Classification: Likely pathogenic for Ovarian cancer. Last evaluated: 2022-01-01. Review status: criteria provided, single submitter. Criteria: ACMG Guidelines, 2015. Collection method: clinical testing. Allele origin: germline. Affected: yes.

NM_000179.3(MSH6):c.3819T>G (p.Asn1273Lys)

Gene: MSH6 (mutS homolog 6; plus strand). Cytogenetic location: 2p16.3.
Variant type: single nucleotide variant.
Coding change: c.3819T>G on transcript NM_000179.3 (MANE Select); coding-DNA position 3819, T replaced by G.
Protein change: p.Asn1273Lys; replaces asparagine 1273 with lysine.
Molecular consequence: missense variant.
Genome position (GRCh38, 1-based): chr2:47,806,469, T>G. VCF-style: chr2-47806469-T-G. GRCh37 (hg19) VCF-style: chr2-48033608-T-G.
Other names: c.3429T>G, p.Asn1143Lys (NM_001281492.2); c.2913T>G, p.Asn971Lys (NM_001281493.2, NM_001281494.2); short protein forms N1273K, N1143K, N971K.
Identifiers: ClinVar variation 455293 (VCV000455293.21), dbSNP rs759642651, ClinGen allele CA072193.